The following is an entry in ClinVar:

NM_001114753.3(ENG):c.142C>T (p.Gln48Ter)

Gene: ENG (endoglin; minus strand). Cytogenetic location: 9q34.11.
Variant type: single nucleotide variant.
Coding change: c.142C>T on transcript NM_001114753.3 (MANE Select); coding-DNA position 142, C replaced by T.
Protein change: p.Gln48Ter; replaces glutamine 48 with a stop codon.
Molecular consequence: nonsense. On other transcripts: 5 prime UTR variant (1).
Genome position (GRCh38, 1-based): chr9:127,843,171, G>A on the plus strand (C>T on the coding strand, the complement: ENG is on the minus strand). VCF-style: chr9-127843171-G-A. GRCh37 (hg19) VCF-style: chr9-130605450-G-A.
Other names: p.Gln48*; c.142C>T, p.Gln48Ter (NM_000118.4, NM_001406715.1); c.-405C>T (NM_001278138.2); short protein forms Q48*.
Identifiers: ClinVar variation 937410 (VCV000937410.18), dbSNP rs1831082433, ClinGen allele CA374989060.

ClinVar aggregate classification (germline): Pathogenic. Review status: criteria provided, multiple submitters, no conflicts (2 of 4 stars). 3 submissions from 3 submitters: Pathogenic (3). Last evaluated 2024-06-19.

Conditions:
Hereditary hemorrhagic telangiectasia (HHT). Also called: ORW DISEASE; Osler Weber Rendu syndrome; OSLER-RENDU-WEBER DISEASE; Osler hemorrhagic telangiectasia syndrome. Identifiers: Orphanet 774, MedGen C0039445, MONDO:0019180. Disease mechanism: loss of function.
Telangiectasia, hereditary hemorrhagic, type 1 (HHT1). Also called: Osler Weber Rendu syndrome type 1; ENG-Related Hereditary Hemorrhagic Telangiectasia. Identifiers: Orphanet 774, MedGen C4551861, MONDO:0008535, OMIM 187300. Disease mechanism: loss of function.

Submissions (3):

Labcorp Genetics (formerly Invitae), Labcorp
Classification: Pathogenic for Hereditary hemorrhagic telangiectasia. Last evaluated: 2024-06-19. Review status: criteria provided, single submitter. Criteria: Invitae Variant Classification Sherloc (09022015). Collection method: clinical testing. Allele origin: germline.
Comment: This sequence change creates a premature translational stop signal (p.Gln48*) in the ENG gene. It is expected to result in an absent or disrupted protein product. Loss-of-function variants in ENG are known to be pathogenic (PMID: 15879500). This variant is not present in population databases (gnomAD no frequency). This premature translational stop signal has been observed in individual(s) with hereditary hemorrhagic telangiectasia (PMID: 15517393). ClinVar contains an entry for this variant (Variation ID: 937410). For these reasons, this variant has been classified as Pathogenic.

Mayo Clinic Laboratories, Mayo Clinic
Classification: Pathogenic. Last evaluated: 2023-10-06. Review status: criteria provided, single submitter. Criteria: ACMG Guidelines, 2015. Collection method: clinical testing. Allele origin: germline. Observed: 2 variant alleles.
Comment: PM2, PS4_moderate, PVS1

ARUP Laboratories, Molecular Genetics and Genomics, ARUP Laboratories
Classification: Pathogenic for Telangiectasia, hereditary hemorrhagic, type 1. Last evaluated: 2019-07-29. Review status: criteria provided, single submitter. Criteria: ARUP Molecular Germline Variant Investigation Process. Collection method: clinical testing. Allele origin: germline.
Comment: The ENG c.142C>T; p.Gln48Ter variant is reported in the literature in an individual with HHT (Letteboer 2005). This variant is absent from general population databases (Exome Variant Server, Genome Aggregation Database), indicating it is not a common polymorphism. This variant induces an early termination codon and is predicted to result in a truncated protein or mRNA subject to nonsense-mediated decay. Other nearby and downstream truncating variants are also reported in association with HHT and are pathogenic (Bayrak-Toydemir 2004, Bossler 2006). Based on available information, the p.Gln48Ter variant is considered to be pathogenic. REFERENCES Bayrak-Toydemir P et al. Hereditary hemorrhagic telangiectasia: an overview of diagnosis and management in the molecular era for clinicians. Genet Med. 2004 Jul-Aug;6(4):175-91. Bossler AD et al. Novel mutations in ENG and ACVRL1 identified in a series of 200 individuals undergoing clinical genetic testing for hereditary hemorrhagic telangiectasia (HHT): correlation of genotype with phenotype. Hum Mutat. 2006 Jul;27(7):667-75. Letteboer TG et al. Hereditary hemorrhagic telangiectasia: ENG and ALK-1 mutations in Dutch patients. Hum Genet. 2005 Jan;116(1-2):8-16.

Literature cited by the submitters: PubMed 15879500 (cited by Labcorp Genetics (formerly Invitae), Labcorp); PubMed 15517393 (cited by Labcorp Genetics (formerly Invitae), Labcorp and Mayo Clinic Laboratories, Mayo Clinic).